The following is an entry in ClinVar:

ClinVar aggregate classification (germline): Uncertain significance (1 of 4 stars; one submission).

Conditions:
Hereditary cancer-predisposing syndrome. Also called: Neoplastic Syndromes, Hereditary; Tumor predisposition; Hereditary neoplastic syndrome; Hereditary Cancer Syndrome. Identifiers: Orphanet 140162, MedGen C0027672, MeSH D009386, MONDO:0015356.
Cardiovascular phenotype. Identifiers: MedGen CN230736.

Submission:

Ambry Genetics
Classification: Uncertain significance for Cardiovascular phenotype; Hereditary cancer-predisposing syndrome. Last evaluated: 2023-09-21. Review status: criteria provided, single submitter. Criteria: Ambry Variant Classification Scheme 2023. Collection method: clinical testing. Allele origin: germline.
Comment: The p.F699Y variant (also known as c.2096T>A), located in coding exon 18 of the LZTR1 gene, results from a T to A substitution at nucleotide position 2096. The phenylalanine at codon 699 is replaced by tyrosine, an amino acid with highly similar properties. This amino acid position is conserved. In addition, the in silico prediction for this alteration is inconclusive. Since supporting evidence is limited at this time, the clinical significance of this alteration remains unclear.

NM_006767.4(LZTR1):c.2096T>A (p.Phe699Tyr)

Gene: LZTR1 (leucine zipper like post translational regulator 1; plus strand). Cytogenetic location: 22q11.21.
Variant type: single nucleotide variant.
Coding change: c.2096T>A on transcript NM_006767.4 (MANE Select); coding-DNA position 2096, T replaced by A.
Protein change: p.Phe699Tyr; replaces phenylalanine 699 with tyrosine.
Molecular consequence: missense variant.
Genome position (GRCh38, 1-based): chr22:20,995,989, T>A. VCF-style: chr22-20995989-T-A. GRCh37 (hg19) VCF-style: chr22-21350278-T-A.
Other names: short protein forms F699Y.
Identifiers: ClinVar variation 3238203 (VCV003238203.1), dbSNP rs2518624452.